The following is an entry in ClinVar:

ClinVar aggregate classification (germline): Likely pathogenic (1 of 4 stars; one submission).

Submission:

Ambry Genetics
Classification: Likely pathogenic. Last evaluated: 2026-04-24. Review status: criteria provided, single submitter. Criteria: Ambry Variant Classification Scheme 2023. Collection method: clinical testing. Allele origin: germline.
Comment: The c.1777_1779delAAG (p.K593del) variant, located in exon 14 (coding exon 13) of the KDM2A gene, results from an in-frame deletion of 3 nucleotides between nucleotide positions c.1777 and c.1779. This results in the deletion of a lysine (K) at codon 593. This variant was not reported in population-based cohorts in the Genome Aggregation Database (gnomAD). This amino acid position is highly conserved in available vertebrate species. This alteration is predicted to be deleterious by in silico analysis (Choi, 2012). Based on the available evidence, this alteration is classified as likely pathogenic.

NM_012308.3(KDM2A):c.1774AAG[1] (p.Lys593del)

Gene: KDM2A (lysine demethylase 2A; plus strand). Cytogenetic location: 11q13.2.
Variant type: Microsatellite.
Coding change: c.1774AAG[1] on transcript NM_012308.3 (MANE Select); one copy of the 3-base unit AAG starting at c.1774; the reference has two copies in a row; one copy, 3 bases deleted.
Protein change: p.Lys593del; deletes lysine 593.
Molecular consequence: inframe deletion. On other transcripts: non-coding transcript variant (1).
Genome position (GRCh38, 1-based): chr11:67,245,402-67,245,404, AAG deleted; deleting any 3 consecutive bases within chr11:67,245,398-67,245,404 gives the same sequence; the position shown is the placement nearest the transcript's 3' end. VCF-style (leftmost placement, unchanged base first): chr11-67245397-TGAA-T. GRCh37 (hg19) VCF-style: chr11-67012868-TGAA-T.
Other names: c.457AAG[1], p.Lys154del (NM_001256405.2); short protein forms K154del, K593del.
Identifiers: ClinVar variation 4858760 (VCV004858760.1).